The following is an entry in ClinVar:

ClinVar aggregate classification (germline): Conflicting classifications of pathogenicity. Review status: criteria provided, conflicting classifications (1 of 4 stars). 4 submissions from 4 submitters: Uncertain significance (2); Likely benign (2). Last evaluated 2026-06-01.

Conditions:
NONO-related disorder. Also called: NONO-related condition.

Submissions (4):

PreventionGenetics, part of Exact Sciences
Classification: Likely benign for NONO-related condition. Last evaluated: 2026-06-01. Review status: criteria provided, single submitter. Criteria: ACMG Guidelines, 2015. Collection method: clinical testing. Allele origin: germline.
Comment: This variant is classified as likely benign based on ACMG/AMP sequence variant interpretation guidelines (Richards et al. 2015 PMID: 25741868, with internal and published modifications).

Women's Health and Genetics/Laboratory Corporation of America, LabCorp
Classification: Uncertain significance. Last evaluated: 2025-07-24. Review status: criteria provided, single submitter. Criteria: LabCorp Variant Classification Summary - May 2015. Collection method: clinical testing. Allele origin: germline.
Comment: Variant summary: NONO c.1354_1356delCCT (p.Pro452del) results in an in-frame deletion that is predicted to remove one amino acid from the encoded protein. The variant allele was found at a frequency of 3.8e-05 in 183275 control chromosomes. The available data on variant occurrences in the general population are insufficient to allow any conclusion about variant significance. To our knowledge, no occurrence of c.1354_1356delCCT in individuals affected with NONO-related disorders and no experimental evidence demonstrating its impact on protein function have been reported. ClinVar contains an entry for this variant (Variation ID: 3718304). Based on the evidence outlined above, the variant was classified as uncertain significance.

Blueprint Genetics
Classification: Likely benign. Last evaluated: 2024-11-15. Review status: criteria provided, single submitter. Criteria: ACMG Guidelines, 2015. Collection method: clinical testing. Allele origin: germline.

Labcorp Genetics (formerly Invitae), Labcorp
Classification: Uncertain significance. Last evaluated: 2024-08-30. Review status: criteria provided, single submitter. Criteria: Invitae Variant Classification Sherloc (09022015). Collection method: clinical testing. Allele origin: germline.
Comment: This variant, c.1354_1356del, results in the deletion of 1 amino acid(s) of the NONO protein (p.Pro452del), but otherwise preserves the integrity of the reading frame. This variant is present in population databases (rs750698538, gnomAD 0.008%), including at least one homozygous and/or hemizygous individual. This variant has not been reported in the literature in individuals affected with NONO-related conditions. Experimental studies and prediction algorithms are not available or were not evaluated, and the functional significance of this variant is currently unknown. In summary, the available evidence is currently insufficient to determine the role of this variant in disease. Therefore, it has been classified as a Variant of Uncertain Significance.

NM_007363.5(NONO):c.1351CCT[1] (p.Pro452del)

Gene: NONO (non-POU domain containing octamer binding; plus strand). Cytogenetic location: Xq13.1.
Variant type: Microsatellite.
Coding change: c.1351CCT[1] on transcript NM_007363.5 (MANE Select); one copy of the 3-base unit CCT starting at c.1351; the reference has two copies in a row; one copy, 3 bases deleted.
Protein change: p.Pro452del; deletes proline 452.
Genome position (GRCh38, 1-based): chrX:71,300,014-71,300,016, CCT deleted; deleting any 3 consecutive bases within chrX:71,300,009-71,300,016 gives the same sequence; the position shown is the placement nearest the transcript's 3' end. VCF-style (leftmost placement, unchanged base first): chrX-71300008-ACTC-A. GRCh37 (hg19) VCF-style: chrX-70519858-ACTC-A.
Other names: c.1351CCT[1], p.Pro452del (NM_001145408.2, NM_001145409.2); c.1084CCT[1], p.Pro363del (NM_001145410.2); c.1354_1356delCCT (NM_001145408.2, NM_001145408.1); short protein forms P363del, P452del.
Identifiers: ClinVar variation 3718304 (VCV003718304.5).